The following is an entry in ClinVar:

NM_052867.4(NALCN):c.983T>C (p.Ile328Thr)

Gene: NALCN (sodium leak channel, non-selective; minus strand). Cytogenetic location: 13q33.1.
Variant type: single nucleotide variant.
Coding change: c.983T>C on transcript NM_052867.4 (MANE Select); coding-DNA position 983, T replaced by C.
Protein change: p.Ile328Thr; replaces isoleucine 328 with threonine.
Molecular consequence: missense variant.
Genome position (GRCh38, 1-based): chr13:101,292,054, A>G on the plus strand (T>C on the coding strand, the complement: NALCN is on the minus strand). VCF-style: chr13-101292054-A-G. GRCh37 (hg19) VCF-style: chr13-101944405-A-G.
Other names: c.983T>C, p.Ile328Thr (NM_001350748.2, NM_001350749.2, NM_001350750.2 and 1 more transcripts); short protein forms I328T.
Identifiers: ClinVar variation 2837977 (VCV002837977.3), dbSNP rs2503301720, ClinGen allele CA388704766.

ClinVar aggregate classification (germline): Uncertain significance (1 of 4 stars; one submission).

Submission:

Labcorp Genetics (formerly Invitae), Labcorp
Classification: Uncertain significance. Last evaluated: 2024-04-10. Review status: criteria provided, single submitter. Criteria: Invitae Variant Classification Sherloc (09022015). Collection method: clinical testing. Allele origin: germline.
Comment: This sequence change replaces isoleucine, which is neutral and non-polar, with threonine, which is neutral and polar, at codon 328 of the NALCN protein (p.Ile328Thr). This variant is not present in population databases (gnomAD no frequency). This variant has not been reported in the literature in individuals affected with NALCN-related conditions. Advanced modeling of protein sequence and biophysical properties (such as structural, functional, and spatial information, amino acid conservation, physicochemical variation, residue mobility, and thermodynamic stability) has been performed at Invitae for this missense variant, however the output from this modeling did not meet the statistical confidence thresholds required to predict the impact of this variant on NALCN protein function. In summary, the available evidence is currently insufficient to determine the role of this variant in disease. Therefore, it has been classified as a Variant of Uncertain Significance.